The following is an entry in ClinVar:

NM_001394062.1(MACF1):c.11058G>T (p.Leu3686=)

Gene: MACF1 (microtubule actin crosslinking factor 1; plus strand). Cytogenetic location: 1p34.3.
Variant type: single nucleotide variant.
Coding change: c.11058G>T on transcript NM_001394062.1 (MANE Select); coding-DNA position 11058, G replaced by T.
Protein change: p.Leu3686=; no amino-acid change (leucine 3686 retained).
Molecular consequence: synonymous variant.
Genome position (GRCh38, 1-based): chr1:39,350,877, G>T. VCF-style: chr1-39350877-G-T. GRCh37 (hg19) VCF-style: chr1-39816549-G-T.
Other names: c.4872G>T, p.Leu1624= (NM_012090.5).
Identifiers: ClinVar variation 4823453 (VCV004823453.4).

ClinVar aggregate classification (germline): Likely benign (1 of 4 stars; one submission).

Submission:

CeGaT Center for Human Genetics Tuebingen
Classification: Likely benign. Last evaluated: 2026-02-01. Review status: criteria provided, single submitter. Criteria: CeGaT Center For Human Genetics Tuebingen Variant Classification Criteria Version 2. Collection method: clinical testing. Allele origin: germline. Affected: yes. Observed: 1 variant allele.
Comment: MACF1: PM2:Supporting, BP4, BP7